The following is an entry in ClinVar:

NM_005120.3(MED12):c.6206_6207insGCATCAGCAGCAACAGCA (p.2065_2069Q[5]HQQQQQ[1])

Gene: MED12 (mediator complex subunit 12; plus strand). Cytogenetic location: Xq13.1.
Variant type: Microsatellite.
Coding change: c.6206_6207insGCATCAGCAGCAACAGCA on transcript NM_005120.3 (MANE Select); coding-DNA positions 6206 to 6207, GCATCAGCAGCAACAGCA inserted.
Protein change: p.2065_2069Q[5]HQQQQQ[1].
Molecular consequence: inframe insertion.
Genome position: GRCh38 VCF-style: chrX-71140782-G-GCAGCAGCAACAGCAGCAT. GRCh37 (hg19) VCF-style: chrX-70360632-G-GCAGCAGCAACAGCAGCAT.
Identifiers: ClinVar variation 1305136 (VCV001305136.5), dbSNP rs2147839617.

ClinVar aggregate classification (germline): Uncertain significance. Review status: criteria provided, multiple submitters, no conflicts (2 of 4 stars). 2 submissions from 2 submitters: Uncertain significance (2). Last evaluated 2025-12-14.

Conditions:
MED12-Related Disorders. Also called: MED12-related condition; MED12-related disorder. Identifiers: MedGen CN381102.

Submissions (2):

PreventionGenetics, part of Exact Sciences
Classification: Uncertain significance for MED12-related condition. Last evaluated: 2025-12-14. Review status: criteria provided, single submitter. Criteria: ACMG Guidelines, 2015. Collection method: clinical testing. Allele origin: germline.
Comment: The MED12 c.6206_6207insGCATCAGCAGCAACAGCA variant is predicted to result in an in-frame amino acid insertion (p.Gln2069_Gln2070insHisGlnGlnGlnGlnGln). To our knowledge, this variant has not been reported in the literature or in a large population database (gnomAD), indicating this variant is rare. At this time, the clinical significance of this variant is uncertain due to the absence of conclusive functional and genetic evidence.

GeneDx
Classification: Uncertain significance. Last evaluated: 2023-09-28. Review status: criteria provided, single submitter. Criteria: GeneDx Variant Classification Process June 2021. Collection method: clinical testing. Allele origin: germline. Affected: yes.
Comment: Not observed at significant frequency in large population cohorts (gnomAD); In-frame insertion of 6 amino acids in a repetitive region with no known function; Has not been previously published as pathogenic or benign to our knowledge